The following is an entry in ClinVar:

ClinVar aggregate classification (germline): Uncertain significance (1 of 4 stars; one submission).

Allele frequency attached by ClinVar (database versions not stated): gnomAD exomes 0.00019; ExAC 0.00024; ESP Exome Variant Server 0.00054.
gnomAD v4.1: 313 of 1,614,108 alleles (0.019%); highest among the groups gnomAD compares: Non-Finnish European, 0.024%; 1 homozygote.

Submission:

Labcorp Genetics (formerly Invitae), Labcorp
Classification: Uncertain significance. Last evaluated: 2025-09-26. Review status: criteria provided, single submitter. Criteria: Invitae Variant Classification Sherloc (09022015). Collection method: clinical testing. Allele origin: germline.
Comment: This sequence change replaces glutamic acid, which is acidic and polar, with lysine, which is basic and polar, at codon 353 of the KANK4 protein (p.Glu353Lys). This variant is present in population databases (rs150621762, gnomAD 0.05%), and has an allele count higher than expected for a pathogenic variant. This variant has not been reported in the literature in individuals affected with KANK4-related conditions. ClinVar contains an entry for this variant (Variation ID: 2195666). An algorithm developed to predict the effect of missense changes on protein structure and function (PolyPhen-2) suggests that this variant is likely to be disruptive. In summary, the available evidence is currently insufficient to determine the role of this variant in disease. Therefore, it has been classified as a Variant of Uncertain Significance.

NM_181712.5(KANK4):c.1057G>A (p.Glu353Lys)

Gene: KANK4 (KN motif and ankyrin repeat domains 4; minus strand). Cytogenetic location: 1p31.3.
Variant type: single nucleotide variant.
Coding change: c.1057G>A on transcript NM_181712.5 (MANE Select); coding-DNA position 1057, G replaced by A.
Protein change: p.Glu353Lys; replaces glutamic acid 353 with lysine.
Molecular consequence: missense variant. On other transcripts: intron variant (1).
Genome position (GRCh38, 1-based): chr1:62,274,047, C>T on the plus strand (G>A on the coding strand, the complement: KANK4 is on the minus strand). VCF-style: chr1-62274047-C-T. GRCh37 (hg19) VCF-style: chr1-62739719-C-T.
Other names: c.17-2458G>A (NM_001320269.2); short protein forms E353K.
Identifiers: ClinVar variation 2195666 (VCV002195666.4), dbSNP rs150621762, ClinGen allele CA884446.